The following is an entry in ClinVar:

NM_006231.4(POLE):c.1794+35_1794+36del

Gene: POLE (DNA polymerase epsilon, catalytic subunit; minus strand). Cytogenetic location: 12q24.33.
Variant type: Microsatellite.
Coding change: c.1794+35_1794+36del on transcript NM_006231.4 (MANE Select); bases 35 to 36 of the intron after coding-DNA position 1794, 2 bases deleted (GT; older notation c.1794+35_1794+36delGT).
Molecular consequence: intron variant.
Genome position (GRCh38, 1-based): chr12:132,672,179-132,672,180, AC deleted on the plus strand (GT on the coding strand, the reverse complement: POLE is on the minus strand); deleting any 2 consecutive bases within chr12:132,672,179-132,672,183 gives the same sequence; the c. name uses the placement nearest the transcript's 3' end. VCF-style (leftmost placement, unchanged base first): chr12-132672178-AAC-A. GRCh37 (hg19) VCF-style: chr12-133248764-AAC-A.
Other names: c.1794+35_1794+36delGT (NM_006231.4).
Identifiers: ClinVar variation 676827 (VCV000676827.3), dbSNP rs368632925, ClinGen allele CA6893822.

ClinVar aggregate classification (germline): Benign/Likely benign. Review status: criteria provided, multiple submitters, no conflicts (2 of 4 stars). 2 submissions from 2 submitters: Benign (1); Likely benign (1). Last evaluated 2025-03-04.

Submissions (2):

Center for Genomic Medicine, Rigshospitalet, Copenhagen University Hospital
Classification: Benign. Last evaluated: 2025-03-04. Review status: criteria provided, single submitter. Criteria: ACMG Guidelines, 2015. Collection method: clinical testing. Allele origin: germline.

GeneDx
Classification: Likely benign. Last evaluated: 2018-06-12. Review status: criteria provided, single submitter. Criteria: GeneDx Variant Classification (06012015). Collection method: clinical testing. Allele origin: germline. Affected: yes.
Comment: This variant is considered likely benign or benign based on one or more of the following criteria: it is a conservative change, it occurs at a poorly conserved position in the protein, it is predicted to be benign by multiple in silico algorithms, and/or has population frequency not consistent with disease.